The following is an entry in ClinVar:

NM_001377540.1(SLMAP):c.1438A>G (p.Thr480Ala)

Gene: SLMAP (sarcolemma associated protein; plus strand). Cytogenetic location: 3p14.3.
Variant type: single nucleotide variant.
Coding change: c.1438A>G on transcript NM_001377540.1 (MANE Select); coding-DNA position 1438, A replaced by G.
Protein change: p.Thr480Ala; replaces threonine 480 with alanine.
Molecular consequence: missense variant. On other transcripts: 5 prime UTR variant (7), non-coding transcript variant (1).
Genome position (GRCh38, 1-based): chr3:57,896,588, A>G. VCF-style: chr3-57896588-A-G. GRCh37 (hg19) VCF-style: chr3-57882315-A-G.
Other names: c.1387A>G, p.Thr463Ala (NM_001304420.3, NM_001377541.1, NM_001377542.1 and 2 more transcripts); c.1273A>G, p.Thr425Ala (NM_001304421.2, NM_001377557.1, NM_001377559.1 and 1 more transcripts); c.-12A>G (NM_001304422.3, NM_001304423.3, NM_001311178.2 and 4 more transcripts); c.1438A>G, p.Thr480Ala (NM_001377538.1, NM_001377539.1, NM_001377555.1); c.1375A>G, p.Thr459Ala (NM_001377545.1, NM_001377922.1); c.1336A>G, p.Thr446Ala (NM_001377549.1, NM_001377923.1, NM_007159.5); c.1324A>G, p.Thr442Ala (NM_001377551.1, NM_001377552.1, NM_001377924.1); short protein forms T425A, T442A, T446A, T459A, T463A, T480A.
Identifiers: ClinVar variation 3225997 (VCV003225997.1), dbSNP rs773600560, ClinGen allele CA75411356.

ClinVar aggregate classification (germline): Uncertain significance (1 of 4 stars; one submission).

Allele frequency attached by ClinVar (database versions not stated): gnomAD exomes below 0.00001.
gnomAD v4.1: 6 of 1,606,834 alleles (0.00037%); highest among the groups gnomAD compares: Admixed American, 0.0017%; no homozygotes.

Submission:

Ambry Genetics
Classification: Uncertain significance. Last evaluated: 2023-11-02. Review status: criteria provided, single submitter. Criteria: Ambry Variant Classification Scheme 2023. Collection method: clinical testing. Allele origin: germline.
Comment: The p.T446A variant (also known as c.1336A>G), located in coding exon 13 of the SLMAP gene, results from an A to G substitution at nucleotide position 1336. The threonine at codon 446 is replaced by alanine, an amino acid with similar properties. This amino acid position is conserved. In addition, the in silico prediction for this alteration is inconclusive. Since supporting evidence is limited at this time, the clinical significance of this alteration remains unclear.